The following is an entry in ClinVar:

ClinVar aggregate classification (germline): Uncertain significance. Review status: criteria provided, multiple submitters, no conflicts (2 of 4 stars). 2 submissions from 2 submitters: Uncertain significance (2). Last evaluated 2025-04-13.

Conditions:
Hereditary cancer-predisposing syndrome. Also called: Tumor predisposition; Hereditary Cancer Syndrome; Neoplastic Syndromes, Hereditary; Hereditary neoplastic syndrome. Identifiers: Orphanet 140162, MedGen C0027672, MeSH D009386, MONDO:0015356.
Ataxia-telangiectasia syndrome (AT). Also called: Cerebello-oculocutaneous telangiectasia; Immunodeficiency with ataxia telangiectasia; Ataxia telangiectasia (A-T); LOUIS-BAR SYNDROME; ATAXIA-TELANGIECTASIA, COMPLEMENTATION GROUP A; ATAXIA-TELANGIECTASIA, FRESNO VARIANT. Identifiers: Orphanet 100, MedGen C0004135, MONDO:0008840, OMIM 208900.

Submissions (2):

Ambry Genetics
Classification: Uncertain significance for Hereditary cancer-predisposing syndrome. Last evaluated: 2025-04-13. Review status: criteria provided, single submitter. Criteria: Ambry Variant Classification Scheme 2023. Collection method: clinical testing. Allele origin: germline.
Comment: The p.L1335V variant (also known as c.4003T>G), located in coding exon 26 of the ATM gene, results from a T to G substitution at nucleotide position 4003. The leucine at codon 1335 is replaced by valine, an amino acid with highly similar properties. This amino acid position is conserved. In addition, this alteration is predicted to be tolerated by in silico analysis. Based on the available evidence, the clinical significance of this variant remains unclear.

Labcorp Genetics (formerly Invitae), Labcorp
Classification: Uncertain significance for Ataxia-telangiectasia syndrome. Last evaluated: 2019-11-21. Review status: criteria provided, single submitter. Criteria: Invitae Variant Classification Sherloc (09022015). Collection method: clinical testing. Allele origin: germline.
Comment: This variant is not present in population databases (ExAC no frequency). This sequence change replaces leucine with valine at codon 1335 of the ATM protein (p.Leu1335Val). The leucine residue is moderately conserved and there is a small physicochemical difference between leucine and valine. This variant has not been reported in the literature in individuals with ATM-related disease. ClinVar contains an entry for this variant (Variation ID: 216209). In summary, the available evidence is currently insufficient to determine the role of this variant in disease. Therefore, it has been classified as a Variant of Uncertain Significance. Algorithms developed to predict the effect of missense changes on protein structure and function output the following: SIFT: "Tolerated"; PolyPhen-2: "Benign"; Align-GVGD: "Class C0". The valine amino acid residue is found in multiple mammalian species, suggesting that this missense change does not adversely affect protein function. These predictions have not been confirmed by published functional studies and their clinical significance is uncertain.

NM_000051.4(ATM):c.4003T>G (p.Leu1335Val)

Gene: ATM (ATM serine/threonine kinase; plus strand). Cytogenetic location: 11q22.3.
Variant type: single nucleotide variant.
Coding change: c.4003T>G on transcript NM_000051.4 (MANE Select); coding-DNA position 4003, T replaced by G.
Protein change: p.Leu1335Val; replaces leucine 1335 with valine.
Molecular consequence: missense variant.
Genome position (GRCh38, 1-based): chr11:108,287,609, T>G. VCF-style: chr11-108287609-T-G. GRCh37 (hg19) VCF-style: chr11-108158336-T-G.
Other names: c.4003T>G, p.Leu1335Val (NM_001351834.2); short protein forms L1335V.
Identifiers: ClinVar variation 216209 (VCV000216209.12), dbSNP rs863224568, ClinGen allele CA339273.